The following is an entry in ClinVar:

NM_014974.3(DIP2C):c.748G>A (p.Val250Ile)

Genes: DIP2C (DIP2 acetate--CoA ligase C (putative); minus strand), LOC126860807 (CDK7 strongly-dependent group 2 enhancer GRCh37_chr10:461462-462661; plus strand). Cytogenetic location: 10p15.3.
Variant type: single nucleotide variant.
Coding change: c.748G>A on transcript NM_014974.3 (MANE Select); coding-DNA position 748, G replaced by A.
Protein change: p.Val250Ile; replaces valine 250 with isoleucine.
Molecular consequence: missense variant.
Genome position (GRCh38, 1-based): chr10:415,880, C>T on the plus strand (G>A on the coding strand, the complement: DIP2C is on the minus strand). VCF-style: chr10-415880-C-T. GRCh37 (hg19) VCF-style: chr10-461820-C-T.
Other names: short protein forms V250I.
Identifiers: ClinVar variation 1381373 (VCV001381373.8), dbSNP rs2133110009, ClinGen allele CA375832867.

ClinVar aggregate classification (germline): Uncertain significance (1 of 4 stars; one submission).

Submission:

Labcorp Genetics (formerly Invitae), Labcorp
Classification: Uncertain significance. Last evaluated: 2021-03-24. Review status: criteria provided, single submitter. Criteria: Invitae Variant Classification Sherloc (09022015). Collection method: clinical testing. Allele origin: germline.
Comment: In summary, the available evidence is currently insufficient to determine the role of this variant in disease. Therefore, it has been classified as a Variant of Uncertain Significance. Algorithms developed to predict the effect of missense changes on protein structure and function are either unavailable or do not agree on the potential impact of this missense change (SIFT: "Tolerated"; PolyPhen-2: "Possibly Damaging"; Align-GVGD: "Class C0"). This variant has not been reported in the literature in individuals with DIP2C-related conditions. This variant is not present in population databases (ExAC no frequency). This sequence change replaces valine with isoleucine at codon 250 of the DIP2C protein (p.Val250Ile). The valine residue is moderately conserved and there is a small physicochemical difference between valine and isoleucine.